The following is an entry in ClinVar:

NM_001009944.3(PKD1):c.10659G>A (p.Trp3553Ter)

Genes: PKD1 (polycystin 1, transient receptor potential channel interacting; minus strand), PKD1-AS1 (PKD1 antisense RNA 1; plus strand). Cytogenetic location: 16p13.3.
Variant type: single nucleotide variant.
Coding change: c.10659G>A on transcript NM_001009944.3 (MANE Select); coding-DNA position 10659, G replaced by A.
Protein change: p.Trp3553Ter; replaces tryptophan 3553 with a stop codon.
Molecular consequence: nonsense.
Genome position (GRCh38, 1-based): chr16:2,093,973, C>T on the plus strand (G>A on the coding strand, the complement: PKD1 is on the minus strand). VCF-style: chr16-2093973-C-T. GRCh37 (hg19) VCF-style: chr16-2143974-C-T.
Other names: c.10656G>A, p.Trp3552Ter (NM_000296.4); short protein forms W3552*, W3553*.
Identifiers: ClinVar variation 4531197 (VCV004531197.1).
Genomic context (GRCh38, chr16:2,093,973, plus strand): 5'-TGAGACAGCCACAGCCACAGCCACCAGGAGCAGGCTGAGCCCGTGGGCCAGGGAGGCACA[C>T]CAGGCCGGCAGCAGGCGCTTCCGCAGACCCTCCACCAGTCCTGGGGAAGCAGAGACAGAC-3'

ClinVar aggregate classification (germline): Pathogenic (1 of 4 stars; one submission).

Conditions:
Polycystic kidney disease, adult type (PKD1). Also called: Polycystic Kidney, Autosomal Dominant; POLYCYSTIC KIDNEY DISEASE, ADULT, TYPE I; Polycystic Kidney Disease 1, Autosomal Dominant; Polycystic kidney disease 1; Polycystic kidney disease 1, severe; POLYCYSTIC KIDNEY DISEASE 1 WITH OR WITHOUT POLYCYSTIC LIVER DISEASE. Identifiers: MedGen C3149841, MONDO:0008263, OMIM 173900.

Submission:

Juno Genomics, Hangzhou Juno Genomics, Inc
Classification: Pathogenic for Polycystic kidney disease, adult type. Review status: criteria provided, single submitter. Criteria: ACMG Guidelines, 2015. Collection method: clinical testing. Allele origin: germline. Affected: yes.
Comment: Absent from controls (or at extremely low frequency if recessive) in Genome Aggregation Database, Exome Sequencing Project, 1000 Genomes Project, or Exome Aggregation Consortium.;Null variant in a gene where loss of function (LOF) is a known mechanism of disease.;Patient's phenotype or family history is highly specific for a disease with a single genetic etiology.